The following is an entry in ClinVar:

ClinVar aggregate classification (germline): Likely benign (1 of 4 stars; one submission).

gnomAD v4.1: 32 of 1,613,580 alleles (0.002%); highest among the groups gnomAD compares: Admixed American, 0.045%; no homozygotes.

Submission:

CeGaT Center for Human Genetics Tuebingen
Classification: Likely benign. Last evaluated: 2026-09-01. Review status: criteria provided, single submitter. Criteria: CeGaT Center For Human Genetics Tuebingen Variant Classification Criteria Version 2. Collection method: clinical testing. Allele origin: germline. Affected: yes. Observed: 1 variant allele.
Comment: LIG3: BP4, BP7

NM_013975.4(LIG3):c.2712G>A (p.Val904=)

Gene: LIG3 (DNA ligase 3; plus strand). Cytogenetic location: 17q12.
Variant type: single nucleotide variant.
Coding change: c.2712G>A on transcript NM_013975.4 (MANE Select); coding-DNA position 2712, G replaced by A.
Protein change: p.Val904=; no amino-acid change (valine 904 retained).
Molecular consequence: synonymous variant.
Genome position (GRCh38, 1-based): chr17:35,002,705, G>A. VCF-style: chr17-35002705-G-A. GRCh37 (hg19) VCF-style: chr17-33329724-G-A.
Other names: c.2712G>A, p.Val904= (NM_002311.5).
Identifiers: ClinVar variation 5041373 (VCV005041373.1).